The following is an entry in ClinVar:

ClinVar aggregate classification (germline): Likely benign. Review status: criteria provided, single submitter (1 of 4 stars). 3 submissions from 3 submitters: Likely benign (1). 2 of the submissions do not count toward it. Last evaluated 2025-09-04.

Conditions:
UBE3A-related disorder. Also called: UBE3A-related condition.

Allele frequency attached by ClinVar (database versions not stated): gnomAD 0.00004 and 0.00003; TOPMed 0.00004; gnomAD exomes below 0.00001 and 0.00001; ExAC 0.00001.
gnomAD v4.1: 21 of 1,613,740 alleles (0.0013%); highest among the groups gnomAD compares: Non-Finnish European, 0.0018%; no homozygotes.

Submissions (3):

PreventionGenetics, part of Exact Sciences
Classification: Likely benign for UBE3A-related condition. Last evaluated: 2025-09-04. Review status: criteria provided, single submitter. Criteria: ACMG Guidelines, 2015. Collection method: clinical testing. Allele origin: germline.
Comment: This variant is classified as likely benign based on ACMG/AMP sequence variant interpretation guidelines (Richards et al. 2015 PMID: 25741868, with internal and published modifications).

Clinical Genetics DNA and cytogenetics Diagnostics Lab, Erasmus MC, Erasmus Medical Center
Classification: Uncertain significance. Review status: no assertion criteria provided. Collection method: clinical testing. Allele origin: germline. Affected: yes. Study: VKGL Data-share Consensus. Not counted in ClinVar's aggregate classification.

Laboratory of Diagnostic Genome Analysis, Leiden University Medical Center (LUMC)
Classification: Uncertain significance. Review status: no assertion criteria provided. Collection method: clinical testing. Allele origin: germline. Affected: yes. Study: VKGL Data-share Consensus. Not counted in ClinVar's aggregate classification.

NM_130839.5(UBE3A):c.20+447A>G

Genes: SNHG14 (small nucleolar RNA host gene 14; plus strand), UBE3A (ubiquitin protein ligase E3A; minus strand). Cytogenetic location: 15q11.2.
Variant type: single nucleotide variant.
Coding change: c.20+447A>G on transcript NM_130839.5 (MANE Select); 447 bases into the intron after coding-DNA position 20, A replaced by G.
Molecular consequence: intron variant. On other transcripts: missense variant (1), 5 prime UTR variant (7).
Genome position (GRCh38, 1-based): chr15:25,408,641, T>C on the plus strand (A>G on the coding strand, the complement: UBE3A is on the minus strand). VCF-style: chr15-25408641-T-C. GRCh37 (hg19) VCF-style: chr15-25653788-T-C.
Other names: c.8A>G, p.Lys3Arg (NM_000462.5); c.-133A>G (NM_001354506.2); c.-306A>G (NM_001354509.2); c.-258A>G (NM_001354526.1, NM_001354541.2); c.-208A>G (NM_001354543.2); c.-224A>G (NM_001354544.2); c.-1615A>G (NM_001374461.1); c.-116+29848A>G (NM_001354546.2); and 9 more; short protein forms K3R.
Identifiers: ClinVar variation 1206289 (VCV001206289.3), dbSNP rs751766501, ClinGen allele CA7435748.